The following is an entry in ClinVar:

NM_004985.5(KRAS):c.151T>G (p.Cys51Gly)

Gene: KRAS (KRAS proto-oncogene, GTPase; minus strand). Cytogenetic location: 12p12.1.
Variant type: single nucleotide variant.
Coding change: c.151T>G on transcript NM_004985.5 (MANE Select); coding-DNA position 151, T replaced by G.
Protein change: p.Cys51Gly; replaces cysteine 51 with glycine.
Molecular consequence: missense variant.
Genome position (GRCh38, 1-based): chr12:25,227,373, A>C on the plus strand (T>G on the coding strand, the complement: KRAS is on the minus strand). VCF-style: chr12-25227373-A-C. GRCh37 (hg19) VCF-style: chr12-25380307-A-C.
Other names: c.151T>G, p.Cys51Gly (NM_001369786.1, NM_001369787.1, NM_033360.4); short protein forms C51G.
Identifiers: ClinVar variation 3635068 (VCV003635068.2).
Genomic context (GRCh38, chr12:25,227,373, plus strand): 5'-ACTGGTCCCTCATTGCACTGTACTCCTCTTGACCTGCTGTGTCGAGAATATCCAAGAGAC[A>C]GGTTTCTCCATCAATTACTACTTGCTTCCTGTAGGAATCCTGAGAAGGGAGAAACACAGT-3'
Protein context (NP_004976.2, residues 41-61): RKQVVIDGET[Cys51Gly]LLDILDTAGQ

ClinVar aggregate classification (germline): Uncertain significance (1 of 4 stars; one submission).

Conditions:
RASopathy. Also called: rasopathies; Noonan spectrum disorder. Identifiers: Orphanet 536391, MedGen C5555857, MONDO:0021060.

Submission:

Labcorp Genetics (formerly Invitae), Labcorp
Classification: Uncertain significance for RASopathy. Last evaluated: 2025-01-29. Review status: criteria provided, single submitter. Criteria: Invitae Variant Classification Sherloc (09022015). Collection method: clinical testing. Allele origin: germline.
Comment: This sequence change replaces cysteine, which is neutral and slightly polar, with glycine, which is neutral and non-polar, at codon 51 of the KRAS protein (p.Cys51Gly). This variant is not present in population databases (gnomAD no frequency). This variant has not been reported in the literature in individuals affected with KRAS-related conditions. Invitae Evidence Modeling of protein sequence and biophysical properties (such as structural, functional, and spatial information, amino acid conservation, physicochemical variation, residue mobility, and thermodynamic stability) indicates that this missense variant is expected to disrupt KRAS protein function with a positive predictive value of 95%. In summary, the available evidence is currently insufficient to determine the role of this variant in disease. Therefore, it has been classified as a Variant of Uncertain Significance.